The following is an entry in ClinVar:

ClinVar aggregate classification (germline): Uncertain significance. Review status: criteria provided, multiple submitters, no conflicts (2 of 4 stars). 3 submissions from 3 submitters: Uncertain significance (3). Last evaluated 2025-02-12.

Conditions:
Familial melanoma. Also called: Hereditary melanoma; Hereditary cutaneous melanoma. Identifiers: Orphanet 618, MedGen C1512419, MONDO:0018961.
Hereditary cancer-predisposing syndrome. Also called: Neoplastic Syndromes, Hereditary; Tumor predisposition; Hereditary Cancer Syndrome; Hereditary neoplastic syndrome. Identifiers: Orphanet 140162, MedGen C0027672, MeSH D009386, MONDO:0015356.

Allele frequency attached by ClinVar (database versions not stated): gnomAD exomes below 0.00001.
gnomAD v4.1: 1 of 1,605,180 alleles (0.000062%); no homozygotes.

Submissions (3):

Molecular Diagnostics Laboratory, Catalan Institute of Oncology
Classification: Uncertain significance for Hereditary cancer-predisposing syndrome. Last evaluated: 2025-02-12. Review status: criteria provided, single submitter. Criteria: ACMG Guidelines, 2015. Collection method: clinical testing. Allele origin: germline.
Comment: PM2_Supporting c.50C>T, located in exon 1 of transcript NM_000077.5 (p16INK4a) of the CDKN2A gene, is predicted to result in the substitution of Ala by Val at codon 17, p.(Ala17Val). It is not present in the population database gnomAD v2.1.1, non cancer dataset (PM2_supporting). The SpliceAI algorithm predicts no significant impact on splicing and the REVEL meta-predictor score (0.319) for this variant is indeterminate regarding the effect that it may have on protein function according Pejaver 2022 thresholds (PMID: 36413997). The CDKN2A gene encodes two different proteins, p16INK4a and p14ARF, which are translated from alternative transcripts with different open reading frames. This variant is an intronic variant (c.194-3570C>T) regarding to the other transcript (p14ARF; NM_058195.4). To our knowledge, neither clinical data nor functional studies have been reported in the literature for this variant, and there are no reports of pathogenic missense variants in the same codon. This variant has been reported in the ClinVar database (1x uncertain significance), but not in the LOVD database. Based on currently available information, the variant c.50C>T should be considered an uncertain significance variant.

Labcorp Genetics (formerly Invitae), Labcorp
Classification: Uncertain significance for Familial melanoma. Last evaluated: 2023-08-03. Review status: criteria provided, single submitter. Criteria: Invitae Variant Classification Sherloc (09022015). Collection method: clinical testing. Allele origin: germline.
Comment: This variant has not been reported in the literature in individuals affected with CDKN2A (p16INK4a)-related conditions. In summary, the available evidence is currently insufficient to determine the role of this variant in disease. Therefore, it has been classified as a Variant of Uncertain Significance. An algorithm developed to predict the effect of missense changes on protein structure and function (PolyPhen-2) suggests that this variant¬†is likely to be tolerated. ClinVar contains an entry for this variant (Variation ID: 825441). This variant is not present in population databases (gnomAD no frequency). This sequence change replaces alanine, which is neutral and non-polar, with valine, which is neutral and non-polar, at codon 17 of the CDKN2A (p16INK4a) protein (p.Ala17Val).

Ambry Genetics
Classification: Uncertain significance for Hereditary cancer-predisposing syndrome. Last evaluated: 2020-12-17. Review status: criteria provided, single submitter. Criteria: Ambry Variant Classification Scheme 2023. Collection method: clinical testing. Allele origin: germline.
Comment: The p.A17V variant (also known as c.50C>T), located in coding exon 1 of the CDKN2A gene, results from a C to T substitution at nucleotide position 50. The alanine at codon 17 is replaced by valine, an amino acid with similar properties. This amino acid position is not well conserved in available vertebrate species. In addition, this alteration is predicted to be tolerated by in silico analysis. Since supporting evidence is limited at this time, the clinical significance of this alteration remains unclear.

NM_000077.5(CDKN2A):c.50C>T (p.Ala17Val)

Gene: CDKN2A (cyclin dependent kinase inhibitor 2A; minus strand). Cytogenetic location: 9p21.3.
Variant type: single nucleotide variant.
Coding change: c.50C>T on transcript NM_000077.5; coding-DNA position 50, C replaced by T.
Protein change: p.Ala17Val; replaces alanine 17 with valine.
Molecular consequence: missense variant (on NM_000077.6). On other transcripts: intron variant (2).
Genome position (GRCh38, 1-based): chr9:21,974,778, G>A on the plus strand (C>T on the coding strand, the complement: CDKN2A is on the minus strand). VCF-style: chr9-21974778-G-A. GRCh37 (hg19) VCF-style: chr9-21974777-G-A.
Other names: c.50C>T, p.Ala17Val (NM_000077.6, NM_001195132.2, NM_058197.5); c.-3-3570C>T (NM_001363763.2); c.194-3570C>T (NM_058195.4); short protein forms A17V.
Identifiers: ClinVar variation 825441 (VCV000825441.11), dbSNP rs751809654, ClinGen allele CA373086647.